The following is an entry in ClinVar:

ClinVar aggregate classification (germline): Uncertain significance. Review status: criteria provided, multiple submitters, no conflicts (2 of 4 stars). 5 submissions from 5 submitters: Uncertain significance (5). Last evaluated 2024-12-19.

Conditions:
BNAR syndrome. Also called: Bifid Nose With or Without Anorectal and Renal Anomalies (BNAR) Syndrome. Identifiers: Orphanet 217266, MedGen C2750433, MONDO:0012165, OMIM 608980.
Oculotrichoanal syndrome (MOTA). Also called: Manitoba Oculotrichoanal (MOTA) Syndrome; MARLES SYNDROME. Identifiers: Orphanet 2717, MedGen C1855425, MONDO:0009560, OMIM 248450.
Trigonocephaly 2 (TRIGNO2). Identifiers: Orphanet 3366, MedGen C3280974, MONDO:0013774, OMIM 614485.
Inborn genetic diseases. Identifiers: MedGen C0950123, MeSH D030342.

Allele frequency attached by ClinVar (database versions not stated): ExAC 0.00006; gnomAD 0.00011; TOPMed 0.00011; gnomAD exomes 0.00018; 1000 Genomes Project 0.00020; 1000 Genomes Project 30x 0.00031.
gnomAD v4.1: 280 of 1,567,724 alleles (0.018%); highest among the groups gnomAD compares: Non-Finnish European, 0.023%; no homozygotes.

Submissions (5):

GeneDx
Classification: Uncertain significance. Last evaluated: 2024-12-19. Review status: criteria provided, single submitter. Criteria: GeneDx Variant Classification Process June 2021. Collection method: clinical testing. Allele origin: germline. Affected: yes.
Comment: In silico analysis supports that this missense variant has a deleterious effect on protein structure/function; Has not been previously published as pathogenic or benign to our knowledge

Fulgent Genetics
Classification: Uncertain significance for Oculotrichoanal syndrome; BNAR syndrome; Trigonocephaly 2. Last evaluated: 2024-06-18. Review status: criteria provided, single submitter. Criteria: ACMG Guidelines, 2015. Collection method: clinical testing. Allele origin: germline.

Blueprint Genetics
Classification: Uncertain significance. Last evaluated: 2023-05-30. Review status: criteria provided, single submitter. Criteria: ACMG Guidelines, 2015. Collection method: clinical testing. Allele origin: germline.

Ambry Genetics
Classification: Uncertain significance for Inborn genetic diseases. Last evaluated: 2021-08-18. Review status: criteria provided, single submitter. Criteria: Ambry Variant Classification Scheme 2023. Collection method: clinical testing. Allele origin: germline.

Department of Pathology and Laboratory Medicine, Sinai Health System
Classification: Uncertain significance for Oculotrichoanal syndrome; BNAR syndrome; Trigonocephaly 2. Last evaluated: 2021-07-30. Review status: criteria provided, single submitter. Criteria: ACMG Guidelines, 2015. Collection method: research. Allele origin: germline.

NM_001379081.2(FREM1):c.4181A>G (p.Asp1394Gly)

Gene: FREM1 (FRAS1 related extracellular matrix 1; minus strand). Cytogenetic location: 9p22.3.
Variant type: single nucleotide variant.
Coding change: c.4181A>G on transcript NM_001379081.2 (MANE Select); coding-DNA position 4181, A replaced by G.
Protein change: p.Asp1394Gly; replaces aspartic acid 1394 with glycine.
Molecular consequence: missense variant. On other transcripts: non-coding transcript variant (1).
Genome position (GRCh38, 1-based): chr9:14,784,631, T>C on the plus strand (A>G on the coding strand, the complement: FREM1 is on the minus strand). VCF-style: chr9-14784631-T-C. GRCh37 (hg19) VCF-style: chr9-14784629-T-C.
Other names: c.4181A>G, p.Asp1394Gly (NM_144966.7); short protein forms D1394G.
Identifiers: ClinVar variation 2349343 (VCV002349343.6), dbSNP rs199689629, ClinGen allele CA4990265.